The following is an entry in ClinVar:

ClinVar aggregate classification (germline): Uncertain significance. Review status: criteria provided, multiple submitters, no conflicts (2 of 4 stars). 2 submissions from 2 submitters: Uncertain significance (2). Last evaluated 2022-11-22.

Conditions:
Cardiovascular phenotype. Identifiers: MedGen CN230736.
Myofibrillar myopathy 4. Also called: Zaspopathy (type). Identifiers: Orphanet 98912, MedGen C4721886, MONDO:0012277, OMIM 609452.

Submissions (2):

Labcorp Genetics (formerly Invitae), Labcorp
Classification: Uncertain significance for Myofibrillar myopathy 4. Last evaluated: 2022-11-22. Review status: criteria provided, single submitter. Criteria: Invitae Variant Classification Sherloc (09022015). Collection method: clinical testing. Allele origin: germline.
Comment: The LDB3 gene has multiple clinically relevant transcripts. This variant occurs in alternate transcript NM_007078.3, and corresponds to NM_001080116.1:c.*17147G>T in the primary transcript. In summary, the available evidence is currently insufficient to determine the role of this variant in disease. Therefore, it has been classified as a Variant of Uncertain Significance. Experimental studies and prediction algorithms are not available or were not evaluated, and the functional significance of this variant is currently unknown. This variant has not been reported in the literature in individuals affected with LDB3-related conditions. This variant is not present in population databases (gnomAD no frequency). This sequence change replaces alanine, which is neutral and non-polar, with serine, which is neutral and polar, at codon 476 of the LDB3 protein (p.Ala476Ser).

Ambry Genetics
Classification: Uncertain significance for Cardiovascular phenotype. Last evaluated: 2021-11-05. Review status: criteria provided, single submitter. Criteria: Ambry Variant Classification Scheme 2023. Collection method: clinical testing. Allele origin: germline.
Comment: The p.A476S variant (also known as c.1426G>T), located in coding exon 9 of the LDB3 gene, results from a G to T substitution at nucleotide position 1426. The alanine at codon 476 is replaced by serine, an amino acid with similar properties. This amino acid position is conserved. In addition, this alteration is predicted to be tolerated by in silico analysis. Since supporting evidence is limited at this time, the clinical significance of this alteration remains unclear.

NM_007078.3(LDB3):c.1426G>T (p.Ala476Ser)

Gene: LDB3 (LIM domain binding 3; plus strand). Cytogenetic location: 10q23.2.
Variant type: single nucleotide variant.
Coding change: c.1426G>T on transcript NM_007078.3 (MANE Select); coding-DNA position 1426, G replaced by T.
Protein change: p.Ala476Ser; replaces alanine 476 with serine.
Molecular consequence: missense variant.
Genome position (GRCh38, 1-based): chr10:86,716,521, G>T. VCF-style: chr10-86716521-G-T. GRCh37 (hg19) VCF-style: chr10-88476278-G-T.
Other names: c.1096G>T, p.Ala366Ser (NM_001080114.2); c.1441G>T, p.Ala481Ser (NM_001171610.2); c.1237G>T, p.Ala413Ser (NM_001368064.1, NM_001368065.1); c.1285G>T, p.Ala429Ser (NM_001368066.1); short protein forms A366S, A413S, A476S, A429S, A481S.
Identifiers: ClinVar variation 968436 (VCV000968436.10), dbSNP rs1222316982, ClinGen allele CA377450581.